The following is an entry in ClinVar:

NM_021118.3(CYLC1):c.697C>T (p.Pro233Ser)

Gene: CYLC1 (cylicin 1; plus strand). Cytogenetic location: Xq21.1.
Variant type: single nucleotide variant.
Coding change: c.697C>T on transcript NM_021118.3 (MANE Select); coding-DNA position 697, C replaced by T.
Protein change: p.Pro233Ser; replaces proline 233 with serine.
Molecular consequence: missense variant. On other transcripts: intron variant (1).
Genome position (GRCh38, 1-based): chrX:83,873,405, C>T. VCF-style: chrX-83873405-C-T. GRCh37 (hg19) VCF-style: chrX-83128413-C-T.
Other names: c.174+1835C>T (NM_001271680.2); short protein forms P233S.
Identifiers: ClinVar variation 2660994 (VCV002660994.24), dbSNP rs201422295, ClinGen allele CA10462966.
Genomic context (GRCh38, chrX:83,873,405, plus strand): 5'-TTCCTACATACAAAGAACAATCCAAAGAAAGATTTGAAGAGGTCAAAGACTAGTAATGAT[C>T]CCATATCAGAGATTTGCTCAGAAAATAGTTTAAATGTTGATTTCCTCATGTTAGTGGGAC-3'
Protein context (NP_066941.1, residues 223-243): DLKRSKTSND[Pro233Ser]ISEICSENSL

ClinVar aggregate classification (germline): Likely benign (1 of 4 stars; one submission).

Allele frequency attached by ClinVar (database versions not stated): gnomAD exomes 0.00011; gnomAD 0.00013; TOPMed 0.00014; ExAC 0.00022; 1000 Genomes Project 30x 0.00062; 1000 Genomes Project 0.00079.
gnomAD v4.1: 131 of 1,202,076 alleles (0.011%); highest among the groups gnomAD compares: East Asian, 0.38%; no homozygotes.

Submission:

CeGaT Center for Human Genetics Tuebingen
Classification: Likely benign. Last evaluated: 2023-03-01. Review status: criteria provided, single submitter. Criteria: CeGaT Center For Human Genetics Tuebingen Variant Classification Criteria Version 2. Collection method: clinical testing. Allele origin: germline. Affected: yes. Observed: 1 variant allele.
Comment: CYLC1: BP4, BS2